The following is an entry in ClinVar:

NM_004204.5(PIGQ):c.1012C>G (p.Arg338Gly)

Gene: PIGQ (phosphatidylinositol glycan anchor biosynthesis class Q; plus strand). Cytogenetic location: 16p13.3.
Variant type: single nucleotide variant.
Coding change: c.1012C>G on transcript NM_004204.5 (MANE Select); coding-DNA position 1012, C replaced by G.
Protein change: p.Arg338Gly; replaces arginine 338 with glycine.
Molecular consequence: missense variant.
Genome position (GRCh38, 1-based): chr16:578,448, C>G. VCF-style: chr16-578448-C-G. GRCh37 (hg19) VCF-style: chr16-628448-C-G.
Other names: c.1012C>G, p.Arg338Gly (NM_148920.4); short protein forms R338G.
Identifiers: ClinVar variation 1675110 (VCV001675110.4), dbSNP rs559762174, ClinGen allele CA7780076.

ClinVar aggregate classification (germline): Uncertain significance. Review status: criteria provided, multiple submitters, no conflicts (2 of 4 stars). 2 submissions from 2 submitters: Uncertain significance (2). Last evaluated 2022-04-19.

Conditions:
Developmental and epileptic encephalopathy, 77. Also called: EPILEPTIC ENCEPHALOPATHY, EARLY INFANTILE, 77; GLYCOSYLPHOSPHATIDYLINOSITOL BIOSYNTHESIS DEFECT 19; MULTIPLE CONGENITAL ANOMALIES-HYPOTONIA-SEIZURES SYNDROME 4. Identifiers: MedGen C5231405, MONDO:0032808, OMIM 618548.
Epilepsy. Also called: Seizure disorder. Identifiers: MedGen C0014544, MeSH D004827, MONDO:0005027.

Submissions (2):

Labcorp Genetics (formerly Invitae), Labcorp
Classification: Uncertain significance for Epilepsy. Last evaluated: 2022-04-19. Review status: criteria provided, single submitter. Criteria: Invitae Variant Classification Sherloc (09022015). Collection method: clinical testing. Allele origin: germline.
Comment: This sequence change replaces arginine, which is basic and polar, with glycine, which is neutral and non-polar, at codon 338 of the PIGQ protein (p.Arg338Gly). This variant is present in population databases (rs559762174, gnomAD 0.01%). This variant has not been reported in the literature in individuals affected with PIGQ-related conditions. Algorithms developed to predict the effect of missense changes on protein structure and function (SIFT, PolyPhen-2, Align-GVGD) all suggest that this variant is likely to be tolerated. In summary, the available evidence is currently insufficient to determine the role of this variant in disease. Therefore, it has been classified as a Variant of Uncertain Significance.

Center for Genomics, Ann and Robert H. Lurie Children's Hospital of Chicago
Classification: Uncertain significance for Developmental and epileptic encephalopathy, 77. Last evaluated: 2021-03-30. Review status: criteria provided, single submitter. Criteria: ACMG Guidelines, 2015. Collection method: clinical testing. Allele origin: germline.
Comment: PIGQ NM_004204.3 exon 5 p.Arg338Gly (c.1012C>G): This variant has not been reported in the literature and is not present in large control databases. Evolutionary conservation suggests that this variant may impact the protein; computational predictive tools for this variant are unclear. In summary, data on this variant is insufficient for disease classification. Therefore, the clinical significance of this variant is uncertain.